The following is an entry in ClinVar:

ClinVar aggregate classification (germline): Uncertain significance (1 of 4 stars; one submission).

Allele frequency attached by ClinVar (database versions not stated): gnomAD below 0.00001 and 0.00001; gnomAD exomes 0.00002; ExAC 0.00003.
gnomAD v4.1: 28 of 1,611,008 alleles (0.0017%); highest among the groups gnomAD compares: South Asian, 0.029%; no homozygotes.

Submission:

Labcorp Genetics (formerly Invitae), Labcorp
Classification: Uncertain significance. Last evaluated: 2022-02-04. Review status: criteria provided, single submitter. Criteria: Invitae Variant Classification Sherloc (09022015). Collection method: clinical testing. Allele origin: germline.
Comment: This sequence change replaces glutamic acid, which is acidic and polar, with glutamine, which is neutral and polar, at codon 501 of the MUT protein (p.Glu501Gln). This variant is present in population databases (rs759605451, gnomAD 0.02%). This variant has not been reported in the literature in individuals affected with MUT-related conditions. ClinVar contains an entry for this variant (Variation ID: 971894). Algorithms developed to predict the effect of missense changes on protein structure and function are either unavailable or do not agree on the potential impact of this missense change (SIFT: "Deleterious"; PolyPhen-2: "Benign"; Align-GVGD: "Class C0"). In summary, the available evidence is currently insufficient to determine the role of this variant in disease. Therefore, it has been classified as a Variant of Uncertain Significance.

NM_000255.4(MMUT):c.1501G>C (p.Glu501Gln)

Gene: MMUT (methylmalonyl-CoA mutase; minus strand). Cytogenetic location: 6p12.3.
Variant type: single nucleotide variant.
Coding change: c.1501G>C on transcript NM_000255.4 (MANE Select); coding-DNA position 1501, G replaced by C.
Protein change: p.Glu501Gln; replaces glutamic acid 501 with glutamine.
Molecular consequence: missense variant.
Genome position (GRCh38, 1-based): chr6:49,447,729, C>G on the plus strand (G>C on the coding strand, the complement: MMUT is on the minus strand). VCF-style: chr6-49447729-C-G. GRCh37 (hg19) VCF-style: chr6-49415442-C-G.
Other names: short protein forms E501Q.
Identifiers: ClinVar variation 971894 (VCV000971894.3), dbSNP rs759605451, ClinGen allele CA3846861.